The following is an entry in ClinVar:

ClinVar aggregate classification (germline): Uncertain significance (1 of 4 stars; one submission).

Submission:

Labcorp Genetics (formerly Invitae), Labcorp
Classification: Uncertain significance. Last evaluated: 2022-04-18. Review status: criteria provided, single submitter. Criteria: Invitae Variant Classification Sherloc (09022015). Collection method: clinical testing. Allele origin: germline.
Comment: This variant has not been reported in the literature in individuals affected with TAF2-related conditions. Algorithms developed to predict the effect of missense changes on protein structure and function (SIFT, PolyPhen-2, Align-GVGD) all suggest that this variant is likely to be tolerated. In summary, the available evidence is currently insufficient to determine the role of this variant in disease. Therefore, it has been classified as a Variant of Uncertain Significance. This variant is not present in population databases (gnomAD no frequency). This sequence change replaces cysteine, which is neutral and slightly polar, with glycine, which is neutral and non-polar, at codon 729 of the TAF2 protein (p.Cys729Gly).

NM_003184.4(TAF2):c.2185T>G (p.Cys729Gly)

Gene: TAF2 (TATA-box binding protein associated factor 2; minus strand). Cytogenetic location: 8q24.12.
Variant type: single nucleotide variant.
Coding change: c.2185T>G on transcript NM_003184.4 (MANE Select); coding-DNA position 2185, T replaced by G.
Protein change: p.Cys729Gly; replaces cysteine 729 with glycine.
Molecular consequence: missense variant.
Genome position (GRCh38, 1-based): chr8:119,781,121, A>C on the plus strand (T>G on the coding strand, the complement: TAF2 is on the minus strand). VCF-style: chr8-119781121-A-C. GRCh37 (hg19) VCF-style: chr8-120793361-A-C.
Other names: short protein forms C729G.
Identifiers: ClinVar variation 2097723 (VCV002097723.4), dbSNP rs2488347398, ClinGen allele CA371879064.